The following is an entry in ClinVar:

NM_017777.4(MKS1):c.1635C>G (p.Ser545Arg)

Gene: MKS1 (MKS transition zone complex subunit 1; minus strand). Cytogenetic location: 17q22.
Variant type: single nucleotide variant.
Coding change: c.1635C>G on transcript NM_017777.4 (MANE Select); coding-DNA position 1635, C replaced by G.
Protein change: p.Ser545Arg; replaces serine 545 with arginine.
Molecular consequence: missense variant. On other transcripts: 3 prime UTR variant (1).
Genome position (GRCh38, 1-based): chr17:58,206,124, G>C on the plus strand (C>G on the coding strand, the complement: MKS1 is on the minus strand). VCF-style: chr17-58206124-G-C. GRCh37 (hg19) VCF-style: chr17-56283485-G-C.
Other names: c.1026C>G, p.Ser342Arg (NM_001321268.2); c.1552C>G, p.Pro518Ala (NM_001321269.2); c.*47C>G (NM_001330397.2); short protein forms S545R, P518A, S342R.
Identifiers: ClinVar variation 1986456 (VCV001986456.1), dbSNP rs545364645, ClinGen allele CA400324243.

ClinVar aggregate classification (germline): Uncertain significance (1 of 4 stars; one submission).

Conditions:
Joubert syndrome. Also called: CEREBELLOPARENCHYMAL DISORDER IV; JOUBERT-BOLTSHAUSER SYNDROME; Familial aplasia of the vermis. Identifiers: Orphanet 475, MedGen C5979921, MONDO:0018772.
Meckel-Gruber syndrome. Also called: DYSENCEPHALIA SPLANCHNOCYSTICA; GRUBER SYNDROME; Dysencephalia splachnocystica. Identifiers: Orphanet 564, MedGen C0265215, MONDO:0018921.

Submission:

Labcorp Genetics (formerly Invitae), Labcorp
Classification: Uncertain significance for Joubert syndrome; Meckel-Gruber syndrome. Last evaluated: 2022-07-19. Review status: criteria provided, single submitter. Criteria: Invitae Variant Classification Sherloc (09022015). Collection method: clinical testing. Allele origin: germline.
Comment: This sequence change replaces serine, which is neutral and polar, with arginine, which is basic and polar, at codon 545 of the MKS1 protein (p.Ser545Arg). This variant is not present in population databases (gnomAD no frequency). This variant has not been reported in the literature in individuals affected with MKS1-related conditions. Advanced modeling of protein sequence and biophysical properties (such as structural, functional, and spatial information, amino acid conservation, physicochemical variation, residue mobility, and thermodynamic stability) performed at Invitae indicates that this missense variant is not expected to disrupt MKS1 protein function. In summary, the available evidence is currently insufficient to determine the role of this variant in disease. Therefore, it has been classified as a Variant of Uncertain Significance.